The following is an entry in ClinVar:

ClinVar aggregate classification (germline): Uncertain significance (1 of 4 stars; one submission).

Conditions:
Epidermolysis bullosa simplex 5C, with pyloric atresia (EBS5C). Also called: PLEC-Related Epidermolysis Bullosa with Pyloric Atresia; Epidermolysis bullosa simplex with pyloric atresia; PLEC1-Related Epidermolysis Bullosa with Pyloric Atresia. Identifiers: Orphanet 158684, MedGen C2677349, MONDO:0012807, OMIM 612138.
Epidermolysis bullosa simplex 5B, with muscular dystrophy (EBS5B). Also called: Epidermolysis bullosa simplex with muscular dystrophy; EPIDERMOLYSIS BULLOSA SIMPLEX AND LIMB-GIRDLE MUSCULAR DYSTROPHY. Identifiers: Orphanet 257, MedGen C2931072, MONDO:0009181, OMIM 226670.
Epidermolysis bullosa simplex, Ogna type (EBS5A). Also called: Pidermolysis bullosa simplex 5A, Ogna type; EPIDERMOLYSIS BULLOSA SIMPLEX 5A, OGNA TYPE. Identifiers: Orphanet 79401, MedGen C0432317, MONDO:0007555, OMIM 131950.
Autosomal recessive limb-girdle muscular dystrophy type 2Q (LGMDR17). Also called: MUSCULAR DYSTROPHY, LIMB-GIRDLE, AUTOSOMAL RECESSIVE 17. Identifiers: Orphanet 254361, MedGen C3150989, MONDO:0013390, OMIM 613723.
Epidermolysis bullosa simplex with nail dystrophy (EBS5D). Identifiers: MedGen C4225309, MONDO:0014661, OMIM 616487.

Allele frequency attached by ClinVar (database versions not stated): gnomAD exomes 0.00001; ExAC 0.00003; TOPMed 0.00007; gnomAD 0.00008 and 0.00009; ESP Exome Variant Server 0.00020.
gnomAD v4.1: 28 of 1,562,380 alleles (0.0018%); highest among the groups gnomAD compares: Middle Eastern, 0.018%; no homozygotes.

Submission:

Labcorp Genetics (formerly Invitae), Labcorp
Classification: Uncertain significance for Autosomal recessive limb-girdle muscular dystrophy type 2Q; Epidermolysis bullosa simplex, Ogna type; Epidermolysis bullosa simplex with nail dystrophy; Epidermolysis bullosa simplex 5C, with pyloric atresia; Epidermolysis bullosa simplex 5B, with muscular dystrophy. Last evaluated: 2023-04-09. Review status: criteria provided, single submitter. Criteria: Invitae Variant Classification Sherloc (09022015). Collection method: clinical testing. Allele origin: germline.
Comment: In summary, the available evidence is currently insufficient to determine the role of this variant in disease. Therefore, it has been classified as a Variant of Uncertain Significance. Experimental studies and prediction algorithms are not available or were not evaluated, and the functional significance of this variant is currently unknown. ClinVar contains an entry for this variant (Variation ID: 955143). This variant has not been reported in the literature in individuals affected with PLEC-related conditions. The frequency data for this variant in the population databases is considered unreliable, as metrics indicate poor data quality at this position in the gnomAD database. This sequence change replaces arginine, which is basic and polar, with histidine, which is basic and polar, at codon 1547 of the PLEC protein (p.Arg1547His).

NM_201384.3(PLEC):c.4559G>A (p.Arg1520His)

Gene: PLEC (plectin; minus strand). Cytogenetic location: 8q24.3.
Variant type: single nucleotide variant.
Coding change: c.4559G>A on transcript NM_201384.3 (MANE Select); coding-DNA position 4559, G replaced by A.
Protein change: p.Arg1520His; replaces arginine 1520 with histidine.
Molecular consequence: missense variant.
Genome position (GRCh38, 1-based): chr8:143,925,370, C>T on the plus strand (G>A on the coding strand, the complement: PLEC is on the minus strand). VCF-style: chr8-143925370-C-T. GRCh37 (hg19) VCF-style: chr8-144999538-C-T.
Other names: c.4640G>A, p.Arg1547His (NM_000445.5); c.4517G>A, p.Arg1506His (NM_201378.4); c.4493G>A, p.Arg1498His (NM_201379.3); c.4970G>A, p.Arg1657His (NM_201380.4); c.4463G>A, p.Arg1488His (NM_201381.3); c.4559G>A, p.Arg1520His (NM_201382.4); c.4571G>A, p.Arg1524His (NM_201383.3); short protein forms R1506H, R1524H, R1498H, R1657H, R1488H, R1520H, R1547H.
Identifiers: ClinVar variation 955143 (VCV000955143.6), dbSNP rs373423314, ClinGen allele CA4926622.
Genomic context (GRCh38, chr8:143,925,370, plus strand): 5'-TCCTCCAGGGCCTGCAGGGCCCGCTGCTTCTCGCGCGCCGCCTCGGCCTCGGCCTTCACG[C>T]GCGAGGCCAGCTCCACCTCCGCCTGCCGCTTACGCTGGCTCTCGTCCTGCACCTGCCTCC-3'
Protein context (NP_958786.1, residues 1510-1530): KRQAEVELAS[Arg1520His]VKAEAEAARE